The following is an entry in ClinVar:

ClinVar aggregate classification (germline): Uncertain significance (1 of 4 stars; one submission).

Conditions:
Lowe syndrome (OCRL). Also called: LOWE OCULOCEREBRORENAL SYNDROME; PHOSPHATIDYLINOSITOL 4,5-BISPHOSPHATE 5-PHOSPHATASE DEFICIENCY; Oculocerebrorenal Syndrome. Identifiers: Orphanet 534, MedGen C0028860, MONDO:0010645, OMIM 309000.

Submission:

Labcorp Genetics (formerly Invitae), Labcorp
Classification: Uncertain significance for Lowe syndrome. Last evaluated: 2025-09-10. Review status: criteria provided, single submitter. Criteria: Invitae Variant Classification Sherloc (09022015). Collection method: clinical testing. Allele origin: germline.
Comment: This sequence change replaces methionine, which is neutral and non-polar, with isoleucine, which is neutral and non-polar, at codon 322 of the OCRL protein (p.Met322Ile). This variant is not present in population databases (gnomAD no frequency). This variant has not been reported in the literature in individuals affected with OCRL-related conditions. Invitae Evidence Modeling of protein sequence and biophysical properties (such as structural, functional, and spatial information, amino acid conservation, physicochemical variation, residue mobility, and thermodynamic stability) indicates that this missense variant is not expected to disrupt OCRL protein function with a negative predictive value of 80%. In summary, the available evidence is currently insufficient to determine the role of this variant in disease. Therefore, it has been classified as a Variant of Uncertain Significance.

NM_000276.4(OCRL):c.966G>C (p.Met322Ile)

Gene: OCRL (OCRL inositol polyphosphate-5-phosphatase; plus strand). Cytogenetic location: Xq26.1.
Variant type: single nucleotide variant.
Coding change: c.966G>C on transcript NM_000276.4 (MANE Select); coding-DNA position 966, G replaced by C.
Protein change: p.Met322Ile; replaces methionine 322 with isoleucine.
Molecular consequence: missense variant.
Genome position (GRCh38, 1-based): chrX:129,562,410, G>C. VCF-style: chrX-129562410-G-C. GRCh37 (hg19) VCF-style: chrX-128696387-G-C.
Other names: c.969G>C, p.Met323Ile (NM_001318784.2); c.966G>C, p.Met322Ile (NM_001587.4); short protein forms M322I, M323I.
Identifiers: ClinVar variation 4742432 (VCV004742432.1).